The following is an entry in ClinVar:

NM_021098.3(CACNA1H):c.3727GAC[2] (p.Asp1245del)

Gene: CACNA1H (calcium voltage-gated channel subunit alpha1 H; plus strand). Cytogenetic location: 16p13.3.
Variant type: Microsatellite.
Coding change: c.3727GAC[2] on transcript NM_021098.3 (MANE Select); two copies in a row of the 3-base unit GAC starting at c.3727; the reference has three copies in a row; one copy, 3 bases deleted; also written c.3733_3735del.
Protein change: p.Asp1245del; deletes aspartic acid 1245.
Molecular consequence: inframe deletion.
Genome position (GRCh38, 1-based): chr16:1,209,401-1,209,403, GAC deleted; deleting any 3 consecutive bases within chr16:1,209,395-1,209,403 gives the same sequence; the position shown is the placement nearest the transcript's 3' end. VCF-style (leftmost placement, unchanged base first): chr16-1209394-TGAC-T. GRCh37 (hg19) VCF-style: chr16-1259394-TGAC-T.
Other names: c.3733_3735del (NM_021098.3); c.3727GAC[2], p.Asp1245del (NM_001005407.2); short protein forms D1245del.
Identifiers: ClinVar variation 642601 (VCV000642601.16), dbSNP rs780993667, ClinGen allele CA7800871.

ClinVar aggregate classification (germline): Conflicting classifications of pathogenicity. Review status: criteria provided, conflicting classifications (1 of 4 stars). 3 submissions from 3 submitters: Uncertain significance (2); Likely benign (1). Last evaluated 2025-09-01.

Conditions:
Hyperaldosteronism, familial, type IV (HALD4). Also called: FH IV; ALDOSTERONISM, PRIMARY, AND HYPERTENSION. Identifiers: Orphanet 642671, MedGen C4310756, MONDO:0014875, OMIM 617027.
Idiopathic generalized epilepsy. Also called: Generalised epilepsy; EIG. Identifiers: MedGen C0270850, MONDO:0005579, OMIM 600669.
Epilepsy, childhood absence, susceptibility to, 6. Identifiers: Orphanet 64280, MedGen C2749872, MONDO:0012763, OMIM 611942.

Submissions (3):

CeGaT Center for Human Genetics Tuebingen
Classification: Likely benign. Last evaluated: 2025-09-01. Review status: criteria provided, single submitter. Criteria: CeGaT Center For Human Genetics Tuebingen Variant Classification Criteria Version 2. Collection method: clinical testing. Allele origin: germline. Affected: yes. Observed: 1 variant allele.
Comment: CACNA1H: PM4:Supporting, BS1

Labcorp Genetics (formerly Invitae), Labcorp
Classification: Uncertain significance for Idiopathic generalized epilepsy; Hyperaldosteronism, familial, type IV. Last evaluated: 2025-08-06. Review status: criteria provided, single submitter. Criteria: Invitae Variant Classification Sherloc (09022015). Collection method: clinical testing. Allele origin: germline.
Comment: This variant, c.3733_3735del, results in the deletion of 1 amino acid(s) of the CACNA1H protein (p.Asp1245del), but otherwise preserves the integrity of the reading frame. This variant is present in population databases (rs780993667, gnomAD 0.02%). This variant has not been reported in the literature in individuals affected with CACNA1H-related conditions. Experimental studies and prediction algorithms are not available or were not evaluated, and the functional significance of this variant is currently unknown. In summary, the available evidence is currently insufficient to determine the role of this variant in disease. Therefore, it has been classified as a Variant of Uncertain Significance.

Fulgent Genetics
Classification: Uncertain significance for Epilepsy, childhood absence, susceptibility to, 6; Hyperaldosteronism, familial, type IV. Last evaluated: 2024-02-26. Review status: criteria provided, single submitter. Criteria: ACMG Guidelines, 2015. Collection method: clinical testing. Allele origin: germline.